The following is an entry in ClinVar:

ClinVar aggregate classification (germline): Uncertain significance (1 of 4 stars; one submission).

Conditions:
Cardiovascular phenotype. Identifiers: MedGen CN230736.

Submission:

Ambry Genetics
Classification: Uncertain significance for Cardiovascular phenotype. Last evaluated: 2024-10-27. Review status: criteria provided, single submitter. Criteria: Ambry Variant Classification Scheme 2023. Collection method: clinical testing. Allele origin: germline.
Comment: The p.Q2268H variant (also known as c.6804G>C), located in coding exon 26 of the APOB gene, results from a G to C substitution at nucleotide position 6804. The glutamine at codon 2268 is replaced by histidine, an amino acid with highly similar properties. This amino acid position is conserved. In addition, this alteration is predicted to be tolerated by in silico analysis. Based on the available evidence, the clinical significance of this variant remains unclear.

NM_000384.3(APOB):c.6804G>C (p.Gln2268His)

Gene: APOB (apolipoprotein B; minus strand). Cytogenetic location: 2p24.1.
Variant type: single nucleotide variant.
Coding change: c.6804G>C on transcript NM_000384.3 (MANE Select); coding-DNA position 6804, G replaced by C.
Protein change: p.Gln2268His; replaces glutamine 2268 with histidine.
Molecular consequence: missense variant.
Genome position (GRCh38, 1-based): chr2:21,010,064, C>G on the plus strand (G>C on the coding strand, the complement: APOB is on the minus strand). VCF-style: chr2-21010064-C-G. GRCh37 (hg19) VCF-style: chr2-21232936-C-G.
Other names: short protein forms Q2268H.
Identifiers: ClinVar variation 3416276 (VCV003416276.1).
Genomic context (GRCh38, chr2:21,010,064, plus strand): 5'-GTGTTGTTTTAACTTTCCAGCTAGGTGCTGGATGTCTATATTCTGTATGTGTCTCTTAAG[C>G]TGCTGCAGTTTTTCTTGTATCTGGATTCTGATTTGGTACTTAGTATCCACATTTTGAATC-3'
Protein context (NP_000375.3, residues 2258-2278): IRIQIQEKLQ[Gln2268His]LKRHIQNIDI